The following is an entry in ClinVar:

ClinVar aggregate classification (germline): Uncertain significance (1 of 4 stars; one submission).

Conditions:
Neurofibromatosis, type 1 (NF1). Also called: VON RECKLINGHAUSEN DISEASE; Peripheral type neurofibromatosis; NEUROFIBROMATOSIS, TYPE I, SOMATIC; Neurofibromatosis, type I. Identifiers: Orphanet 636, MedGen C0027831, MONDO:0018975, OMIM 162200. Disease mechanism: loss of function.

Submission:

Labcorp Genetics (formerly Invitae), Labcorp
Classification: Uncertain significance for Neurofibromatosis, type 1. Last evaluated: 2024-05-29. Review status: criteria provided, single submitter. Criteria: Invitae Variant Classification Sherloc (09022015). Collection method: clinical testing. Allele origin: germline.
Comment: This sequence change replaces phenylalanine, which is neutral and non-polar, with cysteine, which is neutral and slightly polar, at codon 738 of the NF1 protein (p.Phe738Cys). This variant is not present in population databases (gnomAD no frequency). This variant has not been reported in the literature in individuals affected with NF1-related conditions. Advanced modeling of protein sequence and biophysical properties (such as structural, functional, and spatial information, amino acid conservation, physicochemical variation, residue mobility, and thermodynamic stability) performed at Invitae indicates that this missense variant is expected to disrupt NF1 protein function with a positive predictive value of 95%. In summary, the available evidence is currently insufficient to determine the role of this variant in disease. Therefore, it has been classified as a Variant of Uncertain Significance.

NM_001042492.3(NF1):c.2213T>G (p.Phe738Cys)

Gene: NF1 (neurofibromin 1; plus strand). Cytogenetic location: 17q11.2.
Variant type: single nucleotide variant.
Coding change: c.2213T>G on transcript NM_001042492.3 (MANE Select); coding-DNA position 2213, T replaced by G.
Protein change: p.Phe738Cys; replaces phenylalanine 738 with cysteine.
Molecular consequence: missense variant.
Genome position (GRCh38, 1-based): chr17:31,226,646, T>G. VCF-style: chr17-31226646-T-G. GRCh37 (hg19) VCF-style: chr17-29553664-T-G.
Other names: c.2213T>G, p.Phe738Cys (NM_000267.4); short protein forms F738C.
Identifiers: ClinVar variation 3631171 (VCV003631171.2).
Genomic context (GRCh38, chr17:31,226,646, plus strand): 5'-ATATCCGGTGTGGGGTGGATGAAGTGTCAGTGCATAACCTCTTGCCCAACTATAACACAT[T>G]CATGGAGTTTGCCTCTGTCAGCAATATGATGTCAACAGGTAAATGTGAATAGTGGTTTTT-3'
Protein context (NP_001035957.1, residues 728-748): VHNLLPNYNT[Phe738Cys]MEFASVSNMM